The following is an entry in ClinVar:

ClinVar aggregate classification (germline): Uncertain significance (1 of 4 stars; one submission).

Conditions:
Early-infantile DEE. Also called: Ohtahara syndrome; Early infantile epileptic encephalopathy with suppression bursts; Early infantile epileptic encephalopathy. Identifiers: Orphanet 1934, MedGen C0393706, MONDO:0800491.

Allele frequency attached by ClinVar (database versions not stated): gnomAD exomes below 0.00001.
gnomAD v4.1: 1 of 1,612,090 alleles (0.000062%); highest among the groups gnomAD compares: Non-Finnish European, 0.000085%; no homozygotes.

Submission:

Labcorp Genetics (formerly Invitae), Labcorp
Classification: Uncertain significance for Early-infantile DEE. Last evaluated: 2021-05-26. Review status: criteria provided, single submitter. Criteria: Invitae Variant Classification Sherloc (09022015). Collection method: clinical testing. Allele origin: germline.
Comment: In summary, the available evidence is currently insufficient to determine the role of this variant in disease. Therefore, it has been classified as a Variant of Uncertain Significance. Algorithms developed to predict the effect of missense changes on protein structure and function (SIFT, PolyPhen-2, Align-GVGD) all suggest that this variant is likely to be disruptive, but these predictions have not been confirmed by published functional studies and their clinical significance is uncertain. This variant has not been reported in the literature in individuals with HCN1-related conditions. This variant is not present in population databases (ExAC no frequency). This sequence change replaces isoleucine with threonine at codon 461 of the HCN1 protein (p.Ile461Thr). The isoleucine residue is highly conserved and there is a moderate physicochemical difference between isoleucine and threonine.

NM_021072.4(HCN1):c.1382T>C (p.Ile461Thr)

Gene: HCN1 (hyperpolarization activated cyclic nucleotide gated potassium channel 1; minus strand). Cytogenetic location: 5p12.
Variant type: single nucleotide variant.
Coding change: c.1382T>C on transcript NM_021072.4 (MANE Select); coding-DNA position 1382, T replaced by C.
Protein change: p.Ile461Thr; replaces isoleucine 461 with threonine.
Molecular consequence: missense variant.
Genome position (GRCh38, 1-based): chr5:45,303,835, A>G on the plus strand (T>C on the coding strand, the complement: HCN1 is on the minus strand). VCF-style: chr5-45303835-A-G. GRCh37 (hg19) VCF-style: chr5-45303937-A-G.
Other names: short protein forms I461T.
Identifiers: ClinVar variation 1466117 (VCV001466117.9), dbSNP rs966376899, ClinGen allele CA118283642.
Genomic context (GRCh38, chr5:45,303,835, plus strand): 5'-GGATCCGCATTAGCAAATAAAGGCATTGTAGCCACCAGTTTCCGACAGTTGAAGTTGACT[A>G]TCTCCTAAAGATGTCAAGAGTAAACAAATATTAAGAGAGATATTAATCATATCTGGAAGA-3'
Protein context (NP_066550.2, residues 451-471): NELNDPLREE[Ile461Thr]VNFNCRKLVA